The following is an entry in ClinVar:

ClinVar aggregate classification (germline): Uncertain significance. Review status: criteria provided, multiple submitters, no conflicts (2 of 4 stars). 2 submissions from 2 submitters: Uncertain significance (2). Last evaluated 2025-04-03.

gnomAD v4.1: 1,212 of 1,375,648 alleles (0.088%); highest among the groups gnomAD compares: Non-Finnish European, 0.11%; 2 homozygotes.

Submissions (2):

Labcorp Genetics (formerly Invitae), Labcorp
Classification: Uncertain significance. Last evaluated: 2025-04-03. Review status: criteria provided, single submitter. Criteria: Invitae Variant Classification Sherloc (09022015). Collection method: clinical testing. Allele origin: germline.
Comment: This sequence change replaces alanine, which is neutral and non-polar, with valine, which is neutral and non-polar, at codon 80 of the LEMD2 protein (p.Ala80Val). This variant is present in population databases (rs763749106, gnomAD 0.07%), and has an allele count higher than expected for a pathogenic variant. This variant has not been reported in the literature in individuals affected with LEMD2-related conditions. ClinVar contains an entry for this variant (Variation ID: 3290450). An algorithm developed to predict the effect of missense changes on protein structure and function outputs the following: PolyPhen-2: "Possibly Damaging". The valine amino acid residue is found in multiple mammalian species, which suggests that this missense change does not adversely affect protein function. In summary, the available evidence is currently insufficient to determine the role of this variant in disease. Therefore, it has been classified as a Variant of Uncertain Significance.

Ambry Genetics
Classification: Uncertain significance. Last evaluated: 2024-04-15. Review status: criteria provided, single submitter. Criteria: Ambry Variant Classification Scheme 2023. Collection method: clinical testing. Allele origin: germline.

NM_181336.4(LEMD2):c.239C>T (p.Ala80Val)

Genes: LEMD2 (LEM domain nuclear envelope protein 2; minus strand), LOC129996186 (ATAC-STARR-seq lymphoblastoid silent region 17057; plus strand). Cytogenetic location: 6p21.31.
Variant type: single nucleotide variant.
Coding change: c.239C>T on transcript NM_181336.4 (MANE Select); coding-DNA position 239, C replaced by T.
Protein change: p.Ala80Val; replaces alanine 80 with valine.
Molecular consequence: missense variant. On other transcripts: 5 prime UTR variant (1).
Genome position (GRCh38, 1-based): chr6:33,788,878, G>A on the plus strand (C>T on the coding strand, the complement: LEMD2 is on the minus strand). VCF-style: chr6-33788878-G-A. GRCh37 (hg19) VCF-style: chr6-33756655-G-A.
Other names: c.-274C>T (NM_001348709.2); c.239C>T, p.Ala80Val (NM_001348710.2); short protein forms A80V.
Identifiers: ClinVar variation 3290450 (VCV003290450.2).